The following is an entry in ClinVar:

NM_000059.4(BRCA2):c.1234C>G (p.Pro412Ala)

Gene: BRCA2 (BRCA2 DNA repair associated; plus strand). Cytogenetic location: 13q13.1.
Variant type: single nucleotide variant.
Coding change: c.1234C>G on transcript NM_000059.4 (MANE Select); coding-DNA position 1234, C replaced by G.
Protein change: p.Pro412Ala; replaces proline 412 with alanine.
Molecular consequence: missense variant.
Genome position (GRCh38, 1-based): chr13:32,332,712, C>G. VCF-style: chr13-32332712-C-G. GRCh37 (hg19) VCF-style: chr13-32906849-C-G.
Other names: short protein forms P412A.
Identifiers: ClinVar variation 1364195 (VCV001364195.9), dbSNP rs1555281787, ClinGen allele CA387762202.

ClinVar aggregate classification (germline): Conflicting classifications of pathogenicity. Review status: criteria provided, conflicting classifications (1 of 4 stars). 2 submissions from 2 submitters: Uncertain significance (1); Likely benign (1). Last evaluated 2023-03-23.

Conditions:
Hereditary cancer-predisposing syndrome. Also called: Neoplastic Syndromes, Hereditary; Tumor predisposition; Hereditary neoplastic syndrome; Hereditary Cancer Syndrome. Identifiers: Orphanet 140162, MedGen C0027672, MeSH D009386, MONDO:0015356.
Hereditary breast ovarian cancer syndrome. Also called: Hereditary breast and ovarian cancer; Hereditary breast and/or ovarian cancer syndrome; BRCA1- and BRCA2-Associated Hereditary Breast and Ovarian Cancer; Hereditary breast and ovarian cancer syndrome; Hereditary breast and ovarian cancer syndrome (HBOC); Breast and ovarian cancer. Identifiers: Orphanet 145, MedGen C0677776, MeSH D061325, MONDO:0003582. Disease mechanism: loss of function.

Allele frequency attached by ClinVar (database versions not stated): TOPMed below 0.00001.
gnomAD v4.1: 1 of 1,613,564 alleles (0.000062%); no homozygotes.

Submissions (2):

University of Washington Department of Laboratory Medicine, University of Washington
Classification: Likely benign for Hereditary cancer-predisposing syndrome. Last evaluated: 2023-03-23. Review status: criteria provided, single submitter. Criteria: Dines et al. (Genet Med. 2020). Collection method: curation. Allele origin: germline.
Comment: Missense variant in a coldspot region where missense variants are very unlikely to be pathogenic (PMID:31911673).

BRCA2 exon 10 coldspot. Reclassification based on statistical prior probability.

Labcorp Genetics (formerly Invitae), Labcorp
Classification: Uncertain significance for Hereditary breast ovarian cancer syndrome. Last evaluated: 2020-11-27. Review status: criteria provided, single submitter. Criteria: Invitae Variant Classification Sherloc (09022015). Collection method: clinical testing. Allele origin: germline.
Comment: This variant is not present in population databases (ExAC no frequency). This sequence change replaces proline with alanine at codon 412 of the BRCA2 protein (p.Pro412Ala). The proline residue is weakly conserved and there is a small physicochemical difference between proline and alanine. This variant has not been reported in the literature in individuals with BRCA2-related conditions. Advanced modeling of protein sequence and biophysical properties (such as structural, functional, and spatial information, amino acid conservation, physicochemical variation, residue mobility, and thermodynamic stability) performed at Invitae indicates that this missense variant is not expected to disrupt BRCA2 protein function. In summary, the available evidence is currently insufficient to determine the role of this variant in disease. Therefore, it has been classified as a Variant of Uncertain Significance.